The following is an entry in ClinVar:

ClinVar aggregate classification (germline): Likely benign. Review status: criteria provided, multiple submitters, no conflicts (2 of 4 stars). 2 submissions from 2 submitters: Likely benign (2). Last evaluated 2025-04-24.

Conditions:
Tuberous sclerosis 1 (TSC1). Identifiers: Orphanet 805, MedGen C1854465, MONDO:0008612, OMIM 191100.

Submissions (2):

Myriad Genetics, Inc.
Classification: Likely benign for Tuberous sclerosis 1. Last evaluated: 2025-04-24. Review status: criteria provided, single submitter. Criteria: Myriad Autosomal Dominant, Autosomal Recessive and X-Linked Classification Criteria (2023). Collection method: clinical testing. Allele origin: unknown.
Comment: This variant is considered likely benign. This variant is intronic and is not expected to impact mRNA splicing.

Labcorp Genetics (formerly Invitae), Labcorp
Classification: Likely benign for Tuberous sclerosis 1. Last evaluated: 2024-01-30. Review status: criteria provided, single submitter. Criteria: Invitae Variant Classification Sherloc (09022015). Collection method: clinical testing. Allele origin: germline.

NM_000368.5(TSC1):c.2209-5G>C

Gene: TSC1 (TSC complex subunit 1; minus strand). Cytogenetic location: 9q34.13.
Variant type: single nucleotide variant.
Coding change: c.2209-5G>C on transcript NM_000368.5 (MANE Select); 5 bases into the intron before coding-DNA position 2209, G replaced by C.
Molecular consequence: intron variant.
Genome position (GRCh38, 1-based): chr9:132,902,792, C>G on the plus strand (G>C on the coding strand, the complement: TSC1 is on the minus strand). VCF-style: chr9-132902792-C-G. GRCh37 (hg19) VCF-style: chr9-135778179-C-G.
Other names: c.1846-5G>C (NM_001362177.2); c.2056-5G>C (NM_001162427.2); c.2206-5G>C (NM_001162426.2).
Identifiers: ClinVar variation 756866 (VCV000756866.11), dbSNP rs1588302154, ClinGen allele CA915947236.
Genomic context (GRCh38, chr9:132,902,792, plus strand): 5'-TGCAGACTAACCTTCCACATCTGGATGTCCTTCTCTTGTAACTTCAACTGATCTTTCTAG[C>G]AGAGACCAGAAATGTCATCATTTTAGCTGTCTTCCAACACAGGCAATTTAACACACACTG-3'